The following is an entry in ClinVar:

NM_025216.3(WNT10A):c.390C>G (p.Ser130Arg)

Gene: WNT10A (Wnt family member 10A; plus strand). Cytogenetic location: 2q35.
Variant type: single nucleotide variant.
Coding change: c.390C>G on transcript NM_025216.3 (MANE Select); coding-DNA position 390, C replaced by G.
Protein change: p.Ser130Arg; replaces serine 130 with arginine.
Molecular consequence: missense variant.
Genome position (GRCh38, 1-based): chr2:218,889,997, C>G. VCF-style: chr2-218889997-C-G. GRCh37 (hg19) VCF-style: chr2-219754719-C-G.
Other names: short protein forms S130R.
Identifiers: ClinVar variation 3357097 (VCV003357097.1).

ClinVar aggregate classification (germline): Uncertain significance (0 of 4 stars; one submission).

Conditions:
WNT10A-related disorder. Also called: WNT10A-related disorders; WNT10A-related condition.

gnomAD v4.1: 2 of 1,612,952 alleles (0.00012%); highest among the groups gnomAD compares: Admixed American, 0.0017%; no homozygotes.

Submission:

PreventionGenetics, part of Exact Sciences
Classification: Uncertain significance for WNT10A-related condition. Last evaluated: 2024-03-20. Review status: no assertion criteria provided. Collection method: clinical testing. Allele origin: germline.
Comment: The WNT10A c.390C>G variant is predicted to result in the amino acid substitution p.Ser130Arg. To our knowledge, this variant has not been reported in the literature or in a large population database, indicating this variant is rare. At this time, the clinical significance of this variant is uncertain due to the absence of conclusive functional and genetic evidence.